The following is an entry in ClinVar:

ClinVar aggregate classification (germline): Pathogenic (1 of 4 stars; one submission).

Conditions:
Citrullinemia type I (CTNL1). Also called: ASS DEFICIENCY; argininosuccinate synthetase deficiency. Identifiers: Orphanet 247525, MedGen C4721769, MONDO:0008988, OMIM 215700.

Submission:

Myriad Genetics, Inc.
Classification: Pathogenic for Citrullinemia type I. Last evaluated: 2024-02-09. Review status: criteria provided, single submitter. Criteria: Myriad Autosomal Dominant, Autosomal Recessive and X-Linked Classification Criteria (2023). Collection method: clinical testing. Allele origin: unknown.
Comment: NM_000050.4(ASS1):c.237delC(S80Afs*60) is expected to be pathogenic in the context of citrullinemia type 1. This variant is predicted to lead to an abnormal or absent protein product due to the creation of a premature termination codon in ASS1, a gene where loss-of-function variants are known to be pathogenic. Please note: this variant was assessed in the context of healthy population screening.

NM_054012.4(ASS1):c.237del (p.Ser80fs)

Gene: ASS1 (argininosuccinate synthase 1; plus strand). Cytogenetic location: 9q34.11.
Variant type: Deletion.
Coding change: c.237del on transcript NM_054012.4 (MANE Select); coding-DNA position 237, one base deleted (C; older notation c.237delC).
Protein change: p.Ser80fs; shifts the reading frame from serine 80.
Molecular consequence: frameshift variant.
Genome position (GRCh38, 1-based): chr9:130,458,463, C deleted; the last of 2 consecutive C bases (chr9:130,458,462-130,458,463); deleting either gives the same sequence. VCF-style (leftmost placement, unchanged base first): chr9-130458461-TC-T. GRCh37 (hg19) VCF-style: chr9-133333848-TC-T.
Other names: c.237del, p.Ser80fs (NM_000050.4); short protein forms S80fs.
Identifiers: ClinVar variation 5012723 (VCV005012723.1).
Genomic context (GRCh38, chr9:130,458,461, plus strand): 5'-GTGTTCATTGAGGATGTCAGCAGGGAGTTTGTGGAGGAGTTCATCTGGCCGGCCATCCAG[TC>T]CAGCGCACTGTATGAGGACCGCTACCTCCTGGGCACCTCTCTTGCCAGGCCCTGCATCGC-3'